The following is an entry in ClinVar:

NM_000368.5(TSC1):c.2094G>T (p.Leu698=)

Gene: TSC1 (TSC complex subunit 1; minus strand). Cytogenetic location: 9q34.13.
Variant type: single nucleotide variant.
Coding change: c.2094G>T on transcript NM_000368.5 (MANE Select); coding-DNA position 2094, G replaced by T.
Protein change: p.Leu698=; no amino-acid change (leucine 698 retained).
Molecular consequence: synonymous variant. On other transcripts: non-coding transcript variant (4).
Genome position (GRCh38, 1-based): chr9:132,903,765, C>A on the plus strand (G>T on the coding strand, the complement: TSC1 is on the minus strand). VCF-style: chr9-132903765-C-A. GRCh37 (hg19) VCF-style: chr9-135779152-C-A.
Other names: c.2091G>T, p.Leu697= (NM_001162426.2, NM_001406597.1, NM_001406598.1 and 4 more transcripts); c.1941G>T, p.Leu647= (NM_001162427.2, NM_001406610.1); c.1731G>T, p.Leu577= (NM_001362177.2, NM_001406614.1, NM_001406615.1 and 5 more transcripts); c.2094G>T, p.Leu698= (NM_001406592.1, NM_001406593.1, NM_001406594.1 and 5 more transcripts); c.2079G>T, p.Leu693= (NM_001406601.1, NM_001406602.1); c.2076G>T, p.Leu692= (NM_001406603.1, NM_001406604.1); c.1938G>T, p.Leu646= (NM_001406611.1, NM_001406612.1, NM_001406613.1); c.1728G>T, p.Leu576= (NM_001406620.1, NM_001406621.1, NM_001406622.1 and 2 more transcripts); and 3 more.
Identifiers: ClinVar variation 2742888 (VCV002742888.4), dbSNP rs2131770442, ClinGen allele CA467590729.

ClinVar aggregate classification (germline): Benign/Likely benign. Review status: criteria provided, multiple submitters, no conflicts (2 of 4 stars). 2 submissions from 2 submitters: Benign (1); Likely benign (1). Last evaluated 2025-04-24.

Conditions:
Tuberous sclerosis 1 (TSC1). Identifiers: Orphanet 805, MedGen C1854465, MONDO:0008612, OMIM 191100.

Submissions (2):

Myriad Genetics, Inc.
Classification: Benign for Tuberous sclerosis 1. Last evaluated: 2025-04-24. Review status: criteria provided, single submitter. Criteria: Myriad Autosomal Dominant, Autosomal Recessive and X-Linked Classification Criteria (2023). Collection method: clinical testing. Allele origin: unknown.
Comment: This variant is considered benign. This variant is a silent/synonymous amino acid change and it is not expected to impact splicing.

Labcorp Genetics (formerly Invitae), Labcorp
Classification: Likely benign for Tuberous sclerosis 1. Last evaluated: 2023-11-25. Review status: criteria provided, single submitter. Criteria: Invitae Variant Classification Sherloc (09022015). Collection method: clinical testing. Allele origin: germline.